The following is an entry in ClinVar:

ClinVar aggregate classification (germline): Uncertain significance (1 of 4 stars; one submission).

Conditions:
GTP cyclohydrolase I deficiency. Identifiers: MedGen C0268467, MONDO:0100184.
Dystonia 5 (DRD). Also called: DYSTONIA, PROGRESSIVE, WITH DIURNAL VARIATION; DYSTONIA-PARKINSONISM WITH DIURNAL FLUCTUATION; GTP Cyclohydrolase 1-Deficient Dopa-Responsive Dystonia; Dystonia, DOPA-responsive, with or without hyperphenylalaninemia; DYT-GCH1. Identifiers: Orphanet 98808, MedGen C1851920, MONDO:0007495, OMIM 128230.

Submission:

Labcorp Genetics (formerly Invitae), Labcorp
Classification: Uncertain significance for GTP cyclohydrolase I deficiency; Dystonia 5. Last evaluated: 2022-09-30. Review status: criteria provided, single submitter. Criteria: Invitae Variant Classification Sherloc (09022015). Collection method: clinical testing. Allele origin: germline.
Comment: In summary, the available evidence is currently insufficient to determine the role of this variant in disease. Therefore, it has been classified as a Variant of Uncertain Significance. This variant disrupts the p.Pro147 amino acid residue in GCH1. Other variant(s) that disrupt this residue have been observed in individuals with GCH1-related conditions (PMID: 19491146; Invitae), which suggests that this may be a clinically significant amino acid residue. Advanced modeling of protein sequence and biophysical properties (such as structural, functional, and spatial information, amino acid conservation, physicochemical variation, residue mobility, and thermodynamic stability) performed at Invitae indicates that this missense variant is expected to disrupt GCH1 protein function. This variant has not been reported in the literature in individuals affected with GCH1-related conditions. This variant is not present in population databases (gnomAD no frequency). This sequence change replaces proline, which is neutral and non-polar, with threonine, which is neutral and polar, at codon 147 of the GCH1 protein (p.Pro147Thr).

Literature cited by the submitters: PubMed 19491146.

NM_000161.3(GCH1):c.439C>A (p.Pro147Thr)

Gene: GCH1 (GTP cyclohydrolase 1; minus strand). Cytogenetic location: 14q22.2.
Variant type: single nucleotide variant.
Coding change: c.439C>A on transcript NM_000161.3 (MANE Select); coding-DNA position 439, C replaced by A.
Protein change: p.Pro147Thr; replaces proline 147 with threonine.
Molecular consequence: missense variant.
Genome position (GRCh38, 1-based): chr14:54,865,341, G>T on the plus strand (C>A on the coding strand, the complement: GCH1 is on the minus strand). VCF-style: chr14-54865341-G-T. GRCh37 (hg19) VCF-style: chr14-55332059-G-T.
Other names: c.439C>A, p.Pro147Thr (NM_001024024.2, NM_001024070.2, NM_001024071.2 and 1 more transcripts); c.145C>A, p.Pro49Thr (NM_001424105.1); short protein forms P147T, P49T.
Identifiers: ClinVar variation 2940635 (VCV002940635.3), dbSNP rs867158370, ClinGen allele CA389789954.
Genomic context (GRCh38, chr14:54,865,341, plus strand): 5'-TTTCACTATGTTTTAAATTGCTGGGAAACAACAAAGAGAACCTTACCTTTCCAACAAATG[G>T]AACCAAGTGATGCTCACACATGGAAAACATGTCTATGTCCTTCACAATCACCATCTCATC-3'
Protein context (NP_000152.1, residues 137-157): MFSMCEHHLV[Pro147Thr]FVGKVHIGYL